The following is an entry in ClinVar:

ClinVar aggregate classification (germline): Uncertain significance (1 of 4 stars; one submission).

Conditions:
Malignant hyperthermia, susceptibility to, 1 (MHS1). Also called: RYR1-Related Malignant Hyperthermia Susceptibility; Malignant hyperthermia suceptibility 1; Anesthesia related hyperthermia; Malignant hyperpyrexia; Fulminating hyperpyrexia; Pharmacogenic myopathy. Identifiers: Orphanet 423, MedGen C2930980, MONDO:0007783, OMIM 145600.

gnomAD v4.1: 1 of 1,613,826 alleles (0.000062%); highest among the groups gnomAD compares: African/African-American, 0.0013%; no homozygotes.

Submission:

Color Diagnostics, LLC DBA Color Health
Classification: Uncertain significance for Malignant hyperthermia, susceptibility to, 1. Last evaluated: 2025-07-14. Review status: criteria provided, single submitter. Criteria: ACMG Guidelines, 2015. Collection method: clinical testing. Allele origin: germline.
Comment: This variant causes a C to G nucleotide substitution at the +6 position of intron 101/105 of the RYR1 gene. To our knowledge, functional studies have not been reported for this variant. This variant has not been reported in individuals affected with RYR1-related disorders in the literature. This variant has not been identified in the general population by the Genome Aggregation Database (gnomAD). The available evidence is insufficient to determine the role of this variant in disease conclusively. Therefore, this variant is classified as a Variant of Uncertain Significance.

NM_000540.3(RYR1):c.14646+6C>G

Gene: RYR1 (ryanodine receptor 1; plus strand). Cytogenetic location: 19q13.2.
Variant type: single nucleotide variant.
Coding change: c.14646+6C>G on transcript NM_000540.3 (MANE Select); 6 bases into the intron after coding-DNA position 14646, C replaced by G.
Molecular consequence: intron variant.
Genome position (GRCh38, 1-based): chr19:38,580,510, C>G. VCF-style: chr19-38580510-C-G. GRCh37 (hg19) VCF-style: chr19-39071150-C-G.
Other names: c.14631+6C>G (NM_001042723.2).
Identifiers: ClinVar variation 4757376 (VCV004757376.1).